The following is an entry in ClinVar:

ClinVar aggregate classification (germline): Uncertain significance (1 of 4 stars; one submission).

gnomAD v4.1: 8 of 1,613,370 alleles (0.0005%); highest among the groups gnomAD compares: Non-Finnish European, 0.00068%; no homozygotes.

Submissions (3):

Women's Health and Genetics/Laboratory Corporation of America, LabCorp
Classification: Uncertain significance. Last evaluated: 2024-04-18. Review status: criteria provided, single submitter. Criteria: LabCorp Variant Classification Summary - May 2015. Collection method: clinical testing. Allele origin: germline.
Comment: Variant summary: GBA1 c.104C>G (p.Ser35Trp) results in a non-conservative amino acid change in the encoded protein sequence. Four of five in-silico tools predict a damaging effect of the variant on protein function. The variant allele was found at a frequency of 8e-06 in 250894 control chromosomes. The available data on variant occurrences in the general population are insufficient to allow any conclusion about variant significance. To our knowledge, no occurrence of c.104C>G in individuals affected with Gaucher Disease and no experimental evidence demonstrating its impact on protein function have been reported. No submitters have cited clinical-significance assessments for this variant to ClinVar. Based on the evidence outlined above, the variant was classified as uncertain significance.

Dr. Peter K. Rogan Lab, Western University
No classification provided (evidence only). Condition: Colorectal cancer. Review status: no classification provided. Collection method: in vitro. Allele origin: not applicable. Functional consequence: retained intron. Not counted in ClinVar's aggregate classification.

Dr. Peter K. Rogan Lab, Western University
No classification provided (evidence only). Condition: Ovarian serous cystadenocarcinoma. Review status: no classification provided. Collection method: in vitro. Allele origin: not applicable. Functional consequence: retained intron. Not counted in ClinVar's aggregate classification.

NM_000157.4(GBA1):c.104C>G (p.Ser35Trp)

Gene: GBA1 (glucosylceramidase beta 1; minus strand). Cytogenetic location: 1q22.
Variant type: single nucleotide variant.
Coding change: c.104C>G on transcript NM_000157.4 (MANE Select); coding-DNA position 104, C replaced by G.
Protein change: p.Ser35Trp; replaces serine 35 with tryptophan.
Molecular consequence: missense variant. On other transcripts: intron variant (1).
Genome position (GRCh38, 1-based): chr1:155,240,641, G>C on the plus strand (C>G on the coding strand, the complement: GBA1 is on the minus strand). VCF-style: chr1-155240641-G-C. GRCh37 (hg19) VCF-style: chr1-155210432-G-C.
Other names: NC_000001.10:g.155210432G>C; c.104C>G, p.Ser35Trp (NM_001005741.3, NM_001005742.3, NM_001171812.2); c.-146-564C>G (NM_001171811.2); short protein forms S35W.
Identifiers: ClinVar variation 3251871 (VCV003251871.2), dbSNP rs757041827.
Genomic context (GRCh38, chr1:155,240,641, plus strand): 5'-GGCAGAAGGGAGGCTCTGTGCTACCTCCCCACTGCCTTGACTCACTCACCTGATGCCCAC[G>C]ACACTGCCTGAAGTAGAAGCAATCCTGTGAGGCTGCCAGCCATGATGCTTACCCTACTCA-3'
Protein context (NP_000148.2, residues 25-45): LTGLLLLQAV[Ser35Trp]WASGARPCIP